The following is an entry in ClinVar:

NM_001374353.1(GLI2):c.1244T>C (p.Val415Ala)

Gene: GLI2 (GLI family zinc finger 2; plus strand). Cytogenetic location: 2q14.2.
Variant type: single nucleotide variant.
Coding change: c.1244T>C on transcript NM_001374353.1 (MANE Select); coding-DNA position 1244, T replaced by C.
Protein change: p.Val415Ala; replaces valine 415 with alanine.
Molecular consequence: missense variant.
Genome position (GRCh38, 1-based): chr2:120,975,036, T>C. VCF-style: chr2-120975036-T-C. GRCh37 (hg19) VCF-style: chr2-121732612-T-C.
Other names: c.1295T>C, p.Val432Ala (NM_001371271.1, NM_005270.5); c.869T>C, p.Val290Ala (NM_001374354.1); short protein forms V415A, V290A, V432A.
Identifiers: ClinVar variation 4782902 (VCV004782902.1).

ClinVar aggregate classification (germline): Uncertain significance (1 of 4 stars; one submission).

Conditions:
Holoprosencephaly 9 (HPE9). Also called: HOLOPROSENCEPHALY WITH MICROPHTHALMIA AND FIRST BRANCHIAL ARCH ANOMALIES; PITUITARY ANOMALIES WITH HOLOPROSENCEPHALY-LIKE FEATURES. Identifiers: Orphanet 2162, MedGen C1835819, MONDO:0012563, OMIM 610829.
Postaxial polydactyly-anterior pituitary anomalies-facial dysmorphism syndrome. Also called: Culler-Jones syndrome. Identifiers: Orphanet 420584, MedGen C4014479, MONDO:0014369, OMIM 615849.

Submission:

Labcorp Genetics (formerly Invitae), Labcorp
Classification: Uncertain significance for Postaxial polydactyly-anterior pituitary anomalies-facial dysmorphism syndrome; Holoprosencephaly 9. Last evaluated: 2025-06-17. Review status: criteria provided, single submitter. Criteria: Invitae Variant Classification Sherloc (09022015). Collection method: clinical testing. Allele origin: germline.
Comment: This sequence change replaces valine, which is neutral and non-polar, with alanine, which is neutral and non-polar, at codon 432 of the GLI2 protein (p.Val432Ala). This variant is not present in population databases (gnomAD no frequency). This variant has not been reported in the literature in individuals affected with GLI2-related conditions. Invitae Evidence Modeling of protein sequence and biophysical properties (such as structural, functional, and spatial information, amino acid conservation, physicochemical variation, residue mobility, and thermodynamic stability) indicates that this missense variant is not expected to disrupt GLI2 protein function with a negative predictive value of 80%. In summary, the available evidence is currently insufficient to determine the role of this variant in disease. Therefore, it has been classified as a Variant of Uncertain Significance.